The following is an entry in ClinVar:

ClinVar aggregate classification (germline): Uncertain significance (1 of 4 stars; one submission).

Allele frequency attached by ClinVar (database versions not stated): gnomAD exomes below 0.00001.
gnomAD v4.1: 1 of 1,614,214 alleles (0.000062%); highest among the groups gnomAD compares: Middle Eastern, 0.016%; no homozygotes.

Submission:

Ambry Genetics
Classification: Uncertain significance. Last evaluated: 2023-12-04. Review status: criteria provided, single submitter. Criteria: Ambry Variant Classification Scheme 2023. Collection method: clinical testing. Allele origin: germline.
Comment: The p.E1033G variant (also known as c.3098A>G), located in coding exon 1 of the MLH3 gene, results from an A to G substitution at nucleotide position 3098. The glutamic acid at codon 1033 is replaced by glycine, an amino acid with similar properties. This amino acid position is conserved. In addition, this alteration is predicted to be tolerated by in silico analysis. Since supporting evidence is limited at this time, the clinical significance of this alteration remains unclear.

NM_001040108.2(MLH3):c.3098A>G (p.Glu1033Gly)

Gene: MLH3 (mutL homolog 3; minus strand). Cytogenetic location: 14q24.3.
Variant type: single nucleotide variant.
Coding change: c.3098A>G on transcript NM_001040108.2 (MANE Select); coding-DNA position 3098, A replaced by G.
Protein change: p.Glu1033Gly; replaces glutamic acid 1033 with glycine.
Molecular consequence: missense variant.
Genome position (GRCh38, 1-based): chr14:75,046,558, T>C on the plus strand (A>G on the coding strand, the complement: MLH3 is on the minus strand). VCF-style: chr14-75046558-T-C. GRCh37 (hg19) VCF-style: chr14-75513261-T-C.
Other names: c.3098A>G, p.Glu1033Gly (NM_014381.3); short protein forms E1033G.
Identifiers: ClinVar variation 3232522 (VCV003232522.1), dbSNP rs1892239016, ClinGen allele CA390436333.